The following is an entry in ClinVar:

ClinVar aggregate classification (germline): Uncertain significance. Review status: criteria provided, multiple submitters, no conflicts (2 of 4 stars). 3 submissions from 3 submitters: Uncertain significance (3). Last evaluated 2022-06-13.

Conditions:
Hereditary diffuse gastric adenocarcinoma (HDGC). Also called: DIFFUSE GASTRIC AND LOBULAR BREAST CANCER SYNDROME. Identifiers: Orphanet 26106, MedGen C1708349, MONDO:0007648, OMIM 137215.
Hereditary cancer-predisposing syndrome. Also called: Neoplastic Syndromes, Hereditary; Hereditary Cancer Syndrome; Tumor predisposition; Hereditary neoplastic syndrome. Identifiers: Orphanet 140162, MedGen C0027672, MeSH D009386, MONDO:0015356.

Submissions (3):

Labcorp Genetics (formerly Invitae), Labcorp
Classification: Uncertain significance for Hereditary diffuse gastric adenocarcinoma. Last evaluated: 2022-06-13. Review status: criteria provided, single submitter. Criteria: Invitae Variant Classification Sherloc (09022015). Collection method: clinical testing. Allele origin: germline.
Comment: In summary, the available evidence is currently insufficient to determine the role of this variant in disease. Therefore, it has been classified as a Variant of Uncertain Significance. Algorithms developed to predict the effect of missense changes on protein structure and function are either unavailable or do not agree on the potential impact of this missense change (SIFT: "Tolerated"; PolyPhen-2: "Probably Damaging"; Align-GVGD: "Class C0"). This variant has not been reported in the literature in individuals affected with CDH1-related conditions. This variant is not present in population databases (gnomAD no frequency). This sequence change replaces alanine, which is neutral and non-polar, with threonine, which is neutral and polar, at codon 411 of the CDH1 protein (p.Ala411Thr).

Sema4
Classification: Uncertain significance for Hereditary cancer-predisposing syndrome. Last evaluated: 2022-02-01. Review status: criteria provided, single submitter. Criteria: Sema4 Curation Guidelines. Collection method: curation. Allele origin: germline.
Comment: The CDH1 c.1231G>A (p.A411T) variant has not been reported in the literature to our knowledge. It was not observed in the large and broad cohorts of the Genome Aggregation Database (PMID: 32461654). This variant has not been reported in ClinVar. Functional studies have not been performed, and in silico predictions of the variant's effect on protein function are inconclusive. The evidence is insufficient to meet ACMG/AMP criteria for classifying the variant as benign or pathogenic. Thus, the clinical significance of this variant is currently uncertain.

Ambry Genetics
Classification: Uncertain significance for Hereditary cancer-predisposing syndrome. Last evaluated: 2020-12-09. Review status: criteria provided, single submitter. Criteria: Ambry Variant Classification Scheme 2023. Collection method: clinical testing. Allele origin: germline.
Comment: The p.A411T variant (also known as c.1231G>A), located in coding exon 9 of the CDH1 gene, results from a G to A substitution at nucleotide position 1231. The alanine at codon 411 is replaced by threonine, an amino acid with similar properties. This amino acid position is well conserved in available vertebrate species. In addition, the in silico prediction for this alteration is inconclusive. Since supporting evidence is limited at this time, the clinical significance of this alteration remains unclear.

NM_004360.5(CDH1):c.1231G>A (p.Ala411Thr)

Gene: CDH1 (cadherin 1; plus strand). Cytogenetic location: 16q22.1.
Variant type: single nucleotide variant.
Coding change: c.1231G>A on transcript NM_004360.5 (MANE Select); coding-DNA position 1231, G replaced by A.
Protein change: p.Ala411Thr; replaces alanine 411 with threonine.
Molecular consequence: missense variant. On other transcripts: 5 prime UTR variant (2), intron variant (1).
Genome position (GRCh38, 1-based): chr16:68,813,406, G>A. VCF-style: chr16-68813406-G-A. GRCh37 (hg19) VCF-style: chr16-68847309-G-A.
Other names: c.-385G>A (NM_001317185.2); c.-589G>A (NM_001317186.2); c.1137+1143G>A (NM_001317184.2); short protein forms A411T.
Identifiers: ClinVar variation 1692794 (VCV001692794.8), dbSNP rs2152133489, ClinGen allele CA396461443.